The following is an entry in ClinVar:

NM_022455.5(NSD1):c.1744T>G (p.Phe582Val)

Gene: NSD1 (nuclear receptor binding SET domain protein 1; plus strand). Cytogenetic location: 5q35.3.
Variant type: single nucleotide variant.
Coding change: c.1744T>G on transcript NM_022455.5 (MANE Select); coding-DNA position 1744, T replaced by G.
Protein change: p.Phe582Val; replaces phenylalanine 582 with valine.
Molecular consequence: missense variant.
Genome position (GRCh38, 1-based): chr5:177,210,143, T>G. VCF-style: chr5-177210143-T-G. GRCh37 (hg19) VCF-style: chr5-176637144-T-G.
Other names: c.1324T>G, p.Phe442Val (NM_001409304.1); c.991T>G, p.Phe331Val (NM_001409305.1); c.871T>G, p.Phe291Val (NM_001409306.1, NM_001409307.1, NM_001409308.1 and 3 more transcripts); c.1744T>G, p.Phe582Val (NM_001409301.1, NM_001409302.1, NM_001409303.1); short protein forms F291V, F313V, F331V, F442V, F582V.
Identifiers: ClinVar variation 1709326 (VCV001709326.4), dbSNP rs768065317, ClinGen allele CA3577139.

ClinVar aggregate classification (germline): Uncertain significance. Review status: criteria provided, multiple submitters, no conflicts (2 of 4 stars). 2 submissions from 2 submitters: Uncertain significance (2). Last evaluated 2024-01-16.

Conditions:
Sotos syndrome (SOTOS). Also called: Sotos' syndrome; Distinctive facial appearance, overgrowth in childhood, and learning disabilities or delayed development; CHROMOSOME 5q35 DELETION SYNDROME; CEREBRAL GIGANTISM; SOTOS SYNDROME 1. Identifiers: Orphanet 821, MedGen C0175695, MONDO:0019349, OMIM 117550.
Inborn genetic diseases. Identifiers: MedGen C0950123, MeSH D030342.

Allele frequency attached by ClinVar (database versions not stated): gnomAD exomes below 0.00001; ExAC 0.00001.
gnomAD v4.1: 4 of 1,613,406 alleles (0.00025%); highest among the groups gnomAD compares: African/African-American, 0.0053%; no homozygotes.

Submissions (2):

Ambry Genetics
Classification: Uncertain significance for Inborn genetic diseases. Last evaluated: 2024-01-16. Review status: criteria provided, single submitter. Criteria: Ambry Variant Classification Scheme 2023. Collection method: clinical testing. Allele origin: germline.

MGZ Medical Genetics Center
Classification: Uncertain significance for Sotos syndrome. Last evaluated: 2022-05-05. Review status: criteria provided, single submitter. Criteria: ACMG Guidelines, 2015. Collection method: clinical testing. Allele origin: germline. Affected: yes. Observed: 2 variant alleles.
Comment: ACMG criteria applied: PM2_SUP, PP3